The following is an entry in ClinVar:

NC_000011.10:g.47333917C>T

Gene: MYBPC3 (myosin binding protein C3; minus strand). Cytogenetic location: 11p11.2.
Variant type: single nucleotide variant.
Genome position: GRCh38 VCF-style: chr11-47333917-C-T. GRCh37 (hg19) VCF-style: chr11-47355468-C-T.
Other names: c.2994+5G>A (LRG_386t1, NM_000256.3).
Identifiers: ClinVar variation 407311 (VCV000407311.8), dbSNP rs1060501476, ClinGen allele CA16613350.

ClinVar aggregate classification (germline): Uncertain significance. Review status: criteria provided, multiple submitters, no conflicts (2 of 4 stars). 2 submissions from 2 submitters: Uncertain significance (2). Last evaluated 2023-12-01.

Conditions:
Cardiovascular phenotype. Identifiers: MedGen CN230736.
Hypertrophic cardiomyopathy. Also called: HYPERTROPHIC MYOCARDIOPATHY. Identifiers: Orphanet 217569, MedGen C0007194, MeSH D002312, MONDO:0005045, HP:0001639.

Submissions (2):

Ambry Genetics
Classification: Uncertain significance for Cardiovascular phenotype. Last evaluated: 2023-12-01. Review status: criteria provided, single submitter. Criteria: Ambry Variant Classification Scheme 2023. Collection method: clinical testing. Allele origin: germline.
Comment: The c.2994+5G>A intronic variant results from a G to A substitution 5 nucleotides after coding exon 28 in the MYBPC3 gene. This nucleotide position is highly conserved in available vertebrate species. In silico splice site analysis predicts that this alteration may result in the creation or strengthening of a novel splice donor site. Since supporting evidence is limited at this time, the clinical significance of this alteration remains unclear.

Labcorp Genetics (formerly Invitae), Labcorp
Classification: Uncertain significance for Hypertrophic cardiomyopathy. Last evaluated: 2023-07-17. Review status: criteria provided, single submitter. Criteria: Invitae Variant Classification Sherloc (09022015). Collection method: clinical testing. Allele origin: germline.
Comment: ClinVar contains an entry for this variant (Variation ID: 407311). In summary, the available evidence is currently insufficient to determine the role of this variant in disease. Therefore, it has been classified as a Variant of Uncertain Significance. Variants that disrupt the consensus splice site are a relatively common cause of aberrant splicing (PMID: 17576681, 9536098). Algorithms developed to predict the effect of sequence changes on RNA splicing suggest that this variant may create or strengthen a splice site. This variant has not been reported in the literature in individuals affected with MYBPC3-related conditions. This variant is not present in population databases (gnomAD no frequency). This sequence change falls in intron 28 of the MYBPC3 gene. It does not directly change the encoded amino acid sequence of the MYBPC3 protein. It affects a nucleotide within the consensus splice site.

Literature cited by the submitters: PubMed 17576681 (cited by Labcorp Genetics (formerly Invitae), Labcorp); PubMed 9536098 (cited by Labcorp Genetics (formerly Invitae), Labcorp).